The following is an entry in ClinVar:

NM_013328.4(PYCR2):c.138G>T (p.Arg46Ser)

Gene: PYCR2 (pyrroline-5-carboxylate reductase 2; minus strand). Cytogenetic location: 1q42.12.
Variant type: single nucleotide variant.
Coding change: c.138G>T on transcript NM_013328.4 (MANE Select); coding-DNA position 138, G replaced by T.
Protein change: p.Arg46Ser; replaces arginine 46 with serine.
Molecular consequence: missense variant.
Genome position (GRCh38, 1-based): chr1:225,923,701, C>A on the plus strand (G>T on the coding strand, the complement: PYCR2 is on the minus strand). VCF-style: chr1-225923701-C-A. GRCh37 (hg19) VCF-style: chr1-226111401-C-A.
Other names: c.138G>T, p.Arg46Ser (NM_001271681.2); short protein forms R46S.
Identifiers: ClinVar variation 2094822 (VCV002094822.4), dbSNP rs1180491884, ClinGen allele CA345008305.

ClinVar aggregate classification (germline): Uncertain significance (1 of 4 stars; one submission).

Allele frequency attached by ClinVar (database versions not stated): gnomAD exomes below 0.00001.
gnomAD v4.1: 2 of 1,614,130 alleles (0.00012%); highest among the groups gnomAD compares: South Asian, 0.0022%; no homozygotes.

Submission:

Labcorp Genetics (formerly Invitae), Labcorp
Classification: Uncertain significance. Last evaluated: 2022-02-08. Review status: criteria provided, single submitter. Criteria: Invitae Variant Classification Sherloc (09022015). Collection method: clinical testing. Allele origin: germline.
Comment: Variants that disrupt the consensus splice site are a relatively common cause of aberrant splicing (PMID: 17576681, 9536098). Algorithms developed to predict the effect of sequence changes on RNA splicing suggest that this variant may disrupt the consensus splice site. In summary, the available evidence is currently insufficient to determine the role of this variant in disease. Therefore, it has been classified as a Variant of Uncertain Significance. Algorithms developed to predict the effect of missense changes on protein structure and function are either unavailable or do not agree on the potential impact of this missense change (SIFT: "Deleterious"; PolyPhen-2: "Benign"; Align-GVGD: "Class C0"). This variant has not been reported in the literature in individuals affected with PYCR2-related conditions. This variant is not present in population databases (gnomAD no frequency). This sequence change replaces arginine, which is basic and polar, with serine, which is neutral and polar, at codon 46 of the PYCR2 protein (p.Arg46Ser). This variant also falls at the last nucleotide of exon 2, which is part of the consensus splice site for this exon.

Literature cited by the submitters: PubMed 17576681; PubMed 9536098.